The following is an entry in ClinVar:

NM_015102.5(NPHP4):c.3836T>C (p.Phe1279Ser)

Gene: NPHP4 (nephrocystin 4; minus strand). Cytogenetic location: 1p36.31.
Variant type: single nucleotide variant.
Coding change: c.3836T>C on transcript NM_015102.5 (MANE Select); coding-DNA position 3836, T replaced by C.
Protein change: p.Phe1279Ser; replaces phenylalanine 1279 with serine.
Molecular consequence: missense variant. On other transcripts: non-coding transcript variant (1).
Genome position (GRCh38, 1-based): chr1:5,864,498, A>G on the plus strand (T>C on the coding strand, the complement: NPHP4 is on the minus strand). VCF-style: chr1-5864498-A-G. GRCh37 (hg19) VCF-style: chr1-5924558-A-G.
Other names: c.2297T>C, p.Phe766Ser (NM_001291593.2); c.2300T>C, p.Phe767Ser (NM_001291594.2); short protein forms F767S, F1279S, F766S.
Identifiers: ClinVar variation 956774 (VCV000956774.9), dbSNP rs1385575531, ClinGen allele CA338049875.

ClinVar aggregate classification (germline): Uncertain significance (1 of 4 stars; one submission).

Conditions:
Nephronophthisis. Also called: Juvenile Nephronophthisis. Identifiers: Orphanet 655, MedGen C0687120, MONDO:0019005, HP:0000090.

Allele frequency attached by ClinVar (database versions not stated): TOPMed below 0.00001.

Submission:

Labcorp Genetics (formerly Invitae), Labcorp
Classification: Uncertain significance for Nephronophthisis. Last evaluated: 2019-10-31. Review status: criteria provided, single submitter. Criteria: Invitae Variant Classification Sherloc (09022015). Collection method: clinical testing. Allele origin: germline.
Comment: This variant has not been reported in the literature in individuals with NPHP4-related conditions. This variant is not present in population databases (ExAC no frequency). This sequence change replaces phenylalanine with serine at codon 1279 of the NPHP4 protein (p.Phe1279Ser). The phenylalanine residue is highly conserved and there is a large physicochemical difference between phenylalanine and serine. In summary, the available evidence is currently insufficient to determine the role of this variant in disease. Therefore, it has been classified as a Variant of Uncertain Significance. Algorithms developed to predict the effect of missense changes on protein structure and function are either unavailable or do not agree on the potential impact of this missense change (SIFT: "Deleterious"; PolyPhen-2: "Probably Damaging"; Align-GVGD: "Class C0").